The following is an entry in ClinVar:

ClinVar aggregate classification (germline): Uncertain significance (1 of 4 stars; one submission).

Conditions:
Inborn genetic diseases. Identifiers: MedGen C0950123, MeSH D030342.

Submission:

Ambry Genetics
Classification: Uncertain significance for Inborn genetic diseases. Last evaluated: 2024-03-11. Review status: criteria provided, single submitter. Criteria: Ambry Variant Classification Scheme 2023. Collection method: clinical testing. Allele origin: germline.
Comment: The c.209C>T (p.A70V) alteration is located in exon 2 (coding exon 2) of the SRSF1 gene. This alteration results from a C to T substitution at nucleotide position 209, causing the alanine (A) at amino acid position 70 to be replaced by a valine (V). This variant was not reported in population-based cohorts in the Genome Aggregation Database (gnomAD). This amino acid position is highly conserved in available vertebrate species. This missense alteration is located in a region that has a low rate of benign missense variation (Lek, 2016; Firth, 2009). This alteration is predicted to be deleterious by in silico analysis. Based on insufficient or conflicting evidence, the clinical significance of this alteration remains unclear.

NM_006924.5(SRSF1):c.209C>T (p.Ala70Val)

Gene: SRSF1 (serine and arginine rich splicing factor 1; minus strand). Cytogenetic location: 17q22.
Variant type: single nucleotide variant.
Coding change: c.209C>T on transcript NM_006924.5 (MANE Select); coding-DNA position 209, C replaced by T.
Protein change: p.Ala70Val; replaces alanine 70 with valine.
Molecular consequence: missense variant. On other transcripts: non-coding transcript variant (2).
Genome position (GRCh38, 1-based): chr17:58,006,513, G>A on the plus strand (C>T on the coding strand, the complement: SRSF1 is on the minus strand). VCF-style: chr17-58006513-G-A. GRCh37 (hg19) VCF-style: chr17-56083874-G-A.
Other names: c.209C>T, p.Ala70Val (NM_001078166.2); short protein forms A70V.
Identifiers: ClinVar variation 3170250 (VCV003170250.1), dbSNP rs2509287695, ClinGen allele CA399946575.